The following is an entry in ClinVar:

ClinVar aggregate classification (germline): Benign (1 of 4 stars; one submission).

Conditions:
Breast-ovarian cancer, familial, susceptibility to, 2 (BROVCA2). Also called: BRCA2 Hereditary Breast and Ovarian Cancer. Identifiers: Orphanet 145, MedGen C2675520, MONDO:0012933, OMIM 612555. Disease mechanism: loss of function.

Submission:

Dipartimento Di Medicina Di Precisione, Università Degli Studi Della Campania Luigi Vanvitelli
Classification: Benign for Breast-ovarian cancer, familial, susceptibility to, 2. Last evaluated: 2025-07-21. Review status: criteria provided, single submitter. Criteria: ACMG Guidelines, 2015. Collection method: clinical testing. Allele origin: germline. Inheritance: Autosomal dominant inheritance. Affected: yes. Observed: 1 heterozygote.
Comment: This is a 3' UTR variant in BARD1 (NM_000465.3:c.*27T>A), identified during hereditary cancer panel testing. Located downstream of the stop codon, this change is not predicted to affect the protein sequence and does not lie within any known regulatory elements. No functional studies or population frequency data are currently available. Based on current evidence, the variant is classified as benign.

Literature cited by the submitters: DOI 10.3390/ijms26135928.

NC_000002.12:g.21560438C>A

Variant type: single nucleotide variant.
Genome position: GRCh38 VCF-style: chr2-21560438-C-A. GRCh37 (hg19) VCF-style: chr2-21783310-C-A.
Other names: c.*27T>A.
Identifiers: ClinVar variation 4073577 (VCV004073577.1).